The following is an entry in ClinVar:

NM_001382430.1(AKT1):c.1087A>C (p.Met363Leu)

Gene: AKT1 (AKT serine/threonine kinase 1; minus strand). Cytogenetic location: 14q32.33.
Variant type: single nucleotide variant.
Coding change: c.1087A>C on transcript NM_001382430.1 (MANE Select); coding-DNA position 1087, A replaced by C.
Protein change: p.Met363Leu; replaces methionine 363 with leucine.
Molecular consequence: missense variant.
Genome position (GRCh38, 1-based): chr14:104,772,963, T>G on the plus strand (A>C on the coding strand, the complement: AKT1 is on the minus strand). VCF-style: chr14-104772963-T-G. GRCh37 (hg19) VCF-style: chr14-105239300-T-G.
Other names: c.1087A>C, p.Met363Leu (NM_001014431.2, NM_001014432.2, NM_001382431.1 and 3 more transcripts); short protein forms M363L.
Identifiers: ClinVar variation 4573926 (VCV004573926.1).

ClinVar aggregate classification (germline): Uncertain significance (1 of 4 stars; one submission).

Conditions:
Inborn genetic diseases. Identifiers: MedGen C0950123, MeSH D030342.

Submission:

Ambry Genetics
Classification: Uncertain significance for Inborn genetic diseases. Last evaluated: 2025-09-19. Review status: criteria provided, single submitter. Criteria: Ambry Variant Classification Scheme 2023. Collection method: clinical testing. Allele origin: germline.
Comment: The p.M363L variant (also known as c.1087A>C), located in coding exon 10 of the AKT1 gene, results from an A to C substitution at nucleotide position 1087. The methionine at codon 363 is replaced by leucine, an amino acid with highly similar properties. This amino acid position is conserved. In addition, this alteration is predicted to be tolerated by in silico analysis. Based on the available evidence, the clinical significance of this variant remains unclear.